The following is an entry in ClinVar:

ClinVar aggregate classification (germline): Uncertain significance (1 of 4 stars; one submission).

Conditions:
Neurofibromatosis, type 2 (SWNV). Also called: SCHWANNOMATOSIS, VESTIBULAR; BILATERAL ACOUSTIC NEUROFIBROMATOSIS; NF2-Related Schwannomatosis. Identifiers: Orphanet 637, MedGen C0027832, MONDO:0007039, OMIM 101000. Disease mechanism: loss of function.

Submission:

Labcorp Genetics (formerly Invitae), Labcorp
Classification: Uncertain significance for Neurofibromatosis, type 2. Last evaluated: 2023-07-08. Review status: criteria provided, single submitter. Criteria: Invitae Variant Classification Sherloc (09022015). Collection method: clinical testing. Allele origin: unknown.
Comment: This variant results in a copy number gain of the genomic region encompassing exon(s) 2-13 of the NF2 gene. While the exact position of this variant cannot be determined from the data, sub-genic copy number gains are generally in tandem (PMID: 25640679). This variant is predicted to be in-frame, and likely preserves the integrity of the reading frame. A similar copy number variant has been observed in individual(s) with neurofibromatosis, type 2 (Invitae). Experimental studies and prediction algorithms are not available or were not evaluated, and the functional significance of this variant is currently unknown. In summary, the available evidence is currently insufficient to determine the role of this variant in disease. Therefore, it has been classified as a Variant of Uncertain Significance.

Literature cited by the submitters: PubMed 25640679.

NC_000022.10:g.(?_30032730)_(30070940_?)dup

Gene: NF2 (NF2, moesin-ezrin-radixin like (MERLIN) tumor suppressor; plus strand). Cytogenetic location: 22q12.2.
Variant type: Duplication.
Identifiers: ClinVar variation 3247193 (VCV003247193.1).